The following is an entry in ClinVar:

NC_000011.9:g.(?_47362534)_(47433610_?)dup

Genes: MYBPC3 (myosin binding protein C3; minus strand), SLC39A13 (solute carrier family 39 member 13; plus strand), SPI1 (Spi-1 proto-oncogene; minus strand). Cytogenetic location: 11p11.2.
Variant type: Duplication.
Identifiers: ClinVar variation 3244527 (VCV003244527.1).

ClinVar aggregate classification (germline): Uncertain significance (1 of 4 stars; one submission).

Conditions:
Hypertrophic cardiomyopathy. Also called: HYPERTROPHIC MYOCARDIOPATHY. Identifiers: Orphanet 217569, MedGen C0007194, MeSH D002312, MONDO:0005045, HP:0001639.

Submission:

Labcorp Genetics (formerly Invitae), Labcorp
Classification: Uncertain significance for Hypertrophic cardiomyopathy. Last evaluated: 2023-06-07. Review status: criteria provided, single submitter. Criteria: Invitae Variant Classification Sherloc (09022015). Collection method: clinical testing. Allele origin: unknown.
Comment: In summary, the available evidence is currently insufficient to determine the role of this variant in disease. Therefore, it has been classified as a Variant of Uncertain Significance. This variant has not been reported in the literature in individuals affected with MYBPC3-related conditions. This variant results in a copy number gain of the genomic region encompassing exon(s) 1-20 of the MYBPC3 gene. This region includes the initiator codon of the gene. This copy number gain extends beyond the assayed region for this gene and therefore may encompass additional genes. As the precise location of this event is unknown, it may be in tandem or it may be located elsewhere in the genome.